The following is an entry in ClinVar:

ClinVar aggregate classification (germline): Uncertain significance (1 of 4 stars; one submission).

Conditions:
Primary dilated cardiomyopathy (DCM). Also called: Dilated Cardiomyopathy. Identifiers: Orphanet 217604, MedGen C0007193, MeSH D002311, MONDO:0005021, HP:0001644. Inheritance: Various modes of inheritance.

Submission:

Labcorp Genetics (formerly Invitae), Labcorp
Classification: Uncertain significance for Primary dilated cardiomyopathy. Last evaluated: 2023-06-24. Review status: criteria provided, single submitter. Criteria: Invitae Variant Classification Sherloc (09022015). Collection method: clinical testing. Allele origin: unknown.
Comment: In summary, the available evidence is currently insufficient to determine the role of this variant in disease. Therefore, it has been classified as a Variant of Uncertain Significance. This variant has not been reported in the literature in individuals affected with NEBL-related conditions. A copy number gain of the genomic region encompassing the full coding sequence of the NEBL gene has been identified. The boundaries of this event are unknown as they extend beyond the assayed region for this gene and therefore may encompass additional genes. As the precise location of this event is unknown, it may be in tandem or it may be located elsewhere in the genome.

NC_000010.10:g.(?_21074676)_(21186134_?)dup

Gene: NEBL (nebulette; minus strand). Cytogenetic location: 10p12.31.
Variant type: Duplication.
Identifiers: ClinVar variation 3244808 (VCV003244808.1).